The following is an entry in ClinVar:

ClinVar aggregate classification (germline): Conflicting classifications of pathogenicity. Review status: criteria provided, conflicting classifications (1 of 4 stars). 4 submissions from 4 submitters: Uncertain significance (3); Likely benign (1). Last evaluated 2024-03-11.

Conditions:
Hereditary cancer-predisposing syndrome. Also called: Neoplastic Syndromes, Hereditary; Tumor predisposition; Hereditary Cancer Syndrome; Hereditary neoplastic syndrome. Identifiers: Orphanet 140162, MedGen C0027672, MeSH D009386, MONDO:0015356.
Hereditary breast ovarian cancer syndrome. Also called: Hereditary breast and ovarian cancer syndrome; BRCA1- and BRCA2-Associated Hereditary Breast and Ovarian Cancer; Hereditary breast and ovarian cancer; Hereditary breast and ovarian cancer syndrome (HBOC); Breast and ovarian cancer; Hereditary breast and/or ovarian cancer syndrome. Identifiers: Orphanet 145, MedGen C0677776, MeSH D061325, MONDO:0003582. Disease mechanism: loss of function.

Submissions (4):

Ambry Genetics
Classification: Uncertain significance for Hereditary cancer-predisposing syndrome. Last evaluated: 2024-03-11. Review status: criteria provided, single submitter. Criteria: Ambry Variant Classification Scheme 2023. Collection method: clinical testing. Allele origin: germline.
Comment: The p.V1117A variant (also known as c.3350T>C), located in coding exon 9 of the BRCA1 gene, results from a T to C substitution at nucleotide position 3350. The valine at codon 1117 is replaced by alanine, an amino acid with similar properties. This alteration was identified in a cohort of 481 Chinese breast cancer patients with family history of breast/ovarian cancer (Wang J et al. Cancer Med, 2019 May;8:2074-2084). This amino acid position is not well conserved in available vertebrate species. In addition, the in silico prediction for this alteration is inconclusive. Based on the available evidence, the clinical significance of this alteration remains unclear.

University of Washington Department of Laboratory Medicine, University of Washington
Classification: Likely benign for Hereditary cancer-predisposing syndrome. Last evaluated: 2023-03-23. Review status: criteria provided, single submitter. Criteria: Dines et al. (Genet Med. 2020). Collection method: curation. Allele origin: germline.
Comment: Missense variant in a coldspot region where missense variants are very unlikely to be pathogenic (PMID:31911673).

BRCA1 coldspot (exon 11 using historical exon numbering). Reclassification based on statistical prior probability

Color Diagnostics, LLC DBA Color Health
Classification: Uncertain significance for Hereditary cancer-predisposing syndrome. Last evaluated: 2022-11-01. Review status: criteria provided, single submitter. Criteria: ACMG Guidelines, 2015. Collection method: clinical testing. Allele origin: germline.
Comment: This missense variant replaces valine with alanine at codon 1117 of the BRCA1 protein. Computational prediction is inconclusive regarding the impact of this variant on protein structure and function (internally defined REVEL score threshold 0.5 < inconclusive < 0.7, PMID: 27666373). To our knowledge, functional studies have not been reported for this variant. This variant has not been reported in individuals affected with hereditary cancer in the literature. This variant has not been identified in the general population by the Genome Aggregation Database (gnomAD). The available evidence is insufficient to determine the role of this variant in disease conclusively. Therefore, this variant is classified as a Variant of Uncertain Significance.

Labcorp Genetics (formerly Invitae), Labcorp
Classification: Uncertain significance for Hereditary breast ovarian cancer syndrome. Last evaluated: 2022-04-10. Review status: criteria provided, single submitter. Criteria: Invitae Variant Classification Sherloc (09022015). Collection method: clinical testing. Allele origin: germline.
Comment: In summary, the available evidence is currently insufficient to determine the role of this variant in disease. Therefore, it has been classified as a Variant of Uncertain Significance. Advanced modeling of protein sequence and biophysical properties (such as structural, functional, and spatial information, amino acid conservation, physicochemical variation, residue mobility, and thermodynamic stability) performed at Invitae indicates that this missense variant is not expected to disrupt BRCA1 protein function. ClinVar contains an entry for this variant (Variation ID: 924285). This variant has not been reported in the literature in individuals affected with BRCA1-related conditions. This variant is not present in population databases (gnomAD no frequency). This sequence change replaces valine, which is neutral and non-polar, with alanine, which is neutral and non-polar, at codon 1117 of the BRCA1 protein (p.Val1117Ala).

Literature cited by the submitters: PubMed 30982232 (cited by Ambry Genetics).

NM_007294.4(BRCA1):c.3350T>C (p.Val1117Ala)

Genes: BRCA1 (BRCA1 DNA repair associated; minus strand), LOC126862571 (BRD4-independent group 4 enhancer GRCh37_chr17:41243136-41244335; plus strand). Cytogenetic location: 17q21.31.
Variant type: single nucleotide variant.
Coding change: c.3350T>C on transcript NM_007294.4 (MANE Select); coding-DNA position 3350, T replaced by C.
Protein change: p.Val1117Ala; replaces valine 1117 with alanine.
Molecular consequence: missense variant. On other transcripts: intron variant (137).
Genome position (GRCh38, 1-based): chr17:43,092,181, A>G on the plus strand (T>C on the coding strand, the complement: BRCA1 is on the minus strand). VCF-style: chr17-43092181-A-G. GRCh37 (hg19) VCF-style: chr17-41244198-A-G.
Other names: c.3209T>C, p.Val1070Ala (NM_001407738.1, NM_001407739.1, NM_001407692.1 and 29 more transcripts); c.3206T>C, p.Val1069Ala (NM_001407740.1, NM_001407746.1, NM_001407744.1 and 20 more transcripts); c.3347T>C, p.Val1116Ala (NM_001407614.1, NM_001407615.1, NM_001407627.1 and 22 more transcripts); c.3350T>C, p.Val1117Ala (NM_001407616.1, NM_001407617.1, NM_001407618.1 and 30 more transcripts); c.3341T>C, p.Val1114Ala (NM_001407646.1, NM_001407647.1); c.3227T>C, p.Val1076Ala (NM_001407648.1, NM_001407664.1, NM_001407665.1 and 19 more transcripts); c.3224T>C, p.Val1075Ala (NM_001407649.1, NM_001407670.1, NM_001407671.1 and 11 more transcripts); c.3272T>C, p.Val1091Ala (NM_001407653.1, NM_001407654.1, NM_001407655.1 and 4 more transcripts); and 41 more; short protein forms V1070A, V1117A, V1029A, V1046A, V1049A, V1069A, V1076A, V990A.
Identifiers: ClinVar variation 924285 (VCV000924285.16), dbSNP rs2053602865, ClinGen allele CA10595275.